The following is an entry in ClinVar:

NM_001165963.4(SCN1A):c.1028+1G>T

Gene: SCN1A (sodium voltage-gated channel alpha subunit 1; minus strand). Cytogenetic location: 2q24.3.
Variant type: single nucleotide variant.
Coding change: c.1028+1G>T on transcript NM_001165963.4 (MANE Select); the canonical splice donor site of the intron after coding-DNA position 1028, G replaced by T.
Molecular consequence: splice donor variant.
Genome position (GRCh38, 1-based): chr2:166,048,885, C>A on the plus strand (G>T on the coding strand, the complement: SCN1A is on the minus strand). VCF-style: chr2-166048885-C-A. GRCh37 (hg19) VCF-style: chr2-166905395-C-A.
Other names: c.1028+1G>T (AB093548.1, NM_001353949.2, NM_001353958.2 and 11 more transcripts); c.-1398+1G>T (NM_001353961.2).
Identifiers: ClinVar variation 217240 (VCV000217240.12), dbSNP rs863225030, ClinGen allele CA325455.

ClinVar aggregate classification (germline): Pathogenic. Review status: criteria provided, multiple submitters, no conflicts (2 of 4 stars). 2 submissions from 2 submitters: Pathogenic (2). Last evaluated 2021-01-06.

Conditions:
Early-infantile DEE. Also called: Early infantile epileptic encephalopathy with suppression bursts; Early infantile epileptic encephalopathy; Ohtahara syndrome. Identifiers: Orphanet 1934, MedGen C0393706, MONDO:0800491.
Severe myoclonic epilepsy in infancy (DRVT). Also called: Epileptic encephalopathy, early infantile, 6 (Dravet syndrome); Severe Myoclonic Epilepsy in Infancy (SMEI); Dravet syndrome; SEVERE MYOCLONIC EPILEPSY OF INFANCY; DEVELOPMENTAL AND EPILEPTIC ENCEPHALOPATHY 6A. Identifiers: Orphanet 33069, MedGen C0751122, MONDO:0100135, OMIM 607208.

Submissions (2):

Labcorp Genetics (formerly Invitae), Labcorp
Classification: Pathogenic for Early-infantile DEE. Last evaluated: 2021-01-06. Review status: criteria provided, single submitter. Criteria: Invitae Variant Classification Sherloc (09022015). Collection method: clinical testing. Allele origin: germline.
Comment: This sequence change affects a donor splice site in intron 7 of the SCN1A gene. It is expected to disrupt RNA splicing and likely results in an absent or disrupted protein product. For these reasons, this variant has been classified as Pathogenic. Donor and acceptor splice site variants typically lead to a loss of protein function (PMID: 16199547), and loss-of-function variants in SCN1A are known to be pathogenic (PMID: 17347258, 18930999). Algorithms developed to predict the effect of sequence changes on RNA splicing suggest that this variant may disrupt the consensus splice site, but this prediction has not been confirmed by published transcriptional studies. This variant has been observed in individual(s) with severe myoclonic epilepsy of infancy (PMID: 17347258). In at least one individual the variant was observed to be de novo. ClinVar contains an entry for this variant (Variation ID: 217240). This variant is not present in population databases (ExAC no frequency).

Athena Diagnostics
Classification: Pathogenic for Severe myoclonic epilepsy in infancy. Last evaluated: 2015-06-15. Review status: criteria provided, single submitter. Criteria: Athena Diagnostics Criteria. Collection method: clinical testing. Allele origin: germline. Inheritance: Autosomal dominant inheritance.

Literature cited by the submitters: PubMed 16199547 (cited by Labcorp Genetics (formerly Invitae), Labcorp); PubMed 17347258 (cited by Labcorp Genetics (formerly Invitae), Labcorp and Athena Diagnostics); PubMed 18930999 (cited by Labcorp Genetics (formerly Invitae), Labcorp and Athena Diagnostics).